The following is an entry in ClinVar:

ClinVar aggregate classification (germline): Likely pathogenic (1 of 4 stars; one submission).

Conditions:
ZBTB20-related disorder. Also called: ZBTB20-related condition.

Submission:

PreventionGenetics, part of Exact Sciences
Classification: Likely pathogenic for ZBTB20-related condition. Last evaluated: 2025-01-12. Review status: criteria provided, single submitter. Criteria: ACMG Guidelines, 2015. Collection method: clinical testing. Allele origin: germline.
Comment: The ZBTB20 c.1801A>C variant is predicted to result in the amino acid substitution p.Thr601Pro. To our knowledge, this variant has not been reported in the literature or in a large population database (gnomAD), indicating this variant is rare. Alternate missense variants affecting this (p.Thr601Ile) and adjacent amino acids (p.His600Gln and p.Gly602Ala) have been reported to be de novo in patients with Primrose syndrome (Cordeddu et al. 2014. PubMed ID: 25017102; Melis et al. 2020. PubMed ID: 32266967). This variant is interpreted as likely pathogenic.

NM_001348800.3(ZBTB20):c.1801A>C (p.Thr601Pro)

Gene: ZBTB20 (zinc finger and BTB domain containing 20; minus strand). Cytogenetic location: 3q13.31.
Variant type: single nucleotide variant.
Coding change: c.1801A>C on transcript NM_001348800.3 (MANE Select); coding-DNA position 1801, A replaced by C.
Protein change: p.Thr601Pro; replaces threonine 601 with proline.
Molecular consequence: missense variant.
Genome position (GRCh38, 1-based): chr3:114,350,277, T>G on the plus strand (A>C on the coding strand, the complement: ZBTB20 is on the minus strand). VCF-style: chr3-114350277-T-G. GRCh37 (hg19) VCF-style: chr3-114069124-T-G.
Other names: c.1801A>C, p.Thr601Pro (NM_001164342.2, NM_001348803.3, NM_001393393.1 and 1 more transcripts); c.1582A>C, p.Thr528Pro (NM_001164343.2, NM_001164344.4, NM_001164345.4 and 9 more transcripts); short protein forms T601P, T528P.
Identifiers: ClinVar variation 4997175 (VCV004997175.1).